The following is an entry in ClinVar:

ClinVar aggregate classification (germline): Benign/Likely benign. Review status: criteria provided, multiple submitters, no conflicts (2 of 4 stars). 5 submissions from 5 submitters: Benign (3); Likely benign (2). Last evaluated 2026-02-02.

Conditions:
Cardiovascular phenotype. Identifiers: MedGen CN230736.

Allele frequency attached by ClinVar (database versions not stated): TOPMed 0.00716; 1000 Genomes Project 30x 0.00515; ESP Exome Variant Server 0.00656; 1000 Genomes Project 0.00519.

Submissions (5):

Labcorp Genetics (formerly Invitae), Labcorp
Classification: Benign. Last evaluated: 2026-02-02. Review status: criteria provided, single submitter. Criteria: Invitae Variant Classification Sherloc (09022015). Collection method: clinical testing. Allele origin: germline.

Ambry Genetics
Classification: Benign for Cardiovascular phenotype. Last evaluated: 2021-12-29. Review status: criteria provided, single submitter. Criteria: Ambry Variant Classification Scheme 2023. Collection method: clinical testing. Allele origin: germline.

GeneDx
Classification: Likely benign. Last evaluated: 2020-07-30. Review status: criteria provided, single submitter. Criteria: GeneDx Variant Classification Process June 2021. Collection method: clinical testing. Allele origin: germline. Affected: yes.

Women's Health and Genetics/Laboratory Corporation of America, LabCorp
Classification: Benign. Last evaluated: 2017-07-19. Review status: criteria provided, single submitter. Criteria: LabCorp Variant Classification Summary - May 2015. Collection method: clinical testing. Allele origin: germline.
Comment: Variant summary: The APOA5 c.696C>G (p.Ser232Ser) variant involves the alteration of a non-conserved nucleotide, resulting in a synonymous change. One in silico tool predicts a damaging outcome for this variant. 4/5 splice prediction tools predict no significant impact on normal splicing. ESE finder predicts that this variant may affect binding of multiple ESE sites. However, these predictions have yet to be confirmed by functional studies. This variant was found in 180/111076 control chromosomes (3 homozygotes) from ExAC, predominantly observed in the African subpopulation at a frequency of 0.019702 (169/8578). This frequency is about 296 times the estimated maximal expected allele frequency of a pathogenic APOA5 variant (0.0000667), suggesting this is likely a benign polymorphism found primarily in the populations of African origin. Taken together, this variant is classified as benign.

Breakthrough Genomics
Classification: Likely benign. Review status: criteria provided, single submitter. Criteria: ACMG Guidelines, 2015. Collection method: not provided. Allele origin: germline. Inheritance: Autosomal dominant inheritance. Affected: yes.

NM_001371904.1(APOA5):c.696C>G (p.Ser232=)

Gene: APOA5 (apolipoprotein A5; minus strand). Cytogenetic location: 11q23.3.
Variant type: single nucleotide variant.
Coding change: c.696C>G on transcript NM_001371904.1 (MANE Select); coding-DNA position 696, C replaced by G.
Protein change: p.Ser232=; no amino-acid change (serine 232 retained).
Molecular consequence: synonymous variant.
Genome position (GRCh38, 1-based): chr11:116,790,533, G>C on the plus strand (C>G on the coding strand, the complement: APOA5 is on the minus strand). VCF-style: chr11-116790533-G-C. GRCh37 (hg19) VCF-style: chr11-116661249-G-C.
Other names: c.696C>G, p.Ser232= (NM_001166598.2, NM_052968.5).
Identifiers: ClinVar variation 496497 (VCV000496497.15), dbSNP rs146781249, ClinGen allele CA6289018.